The following is an entry in ClinVar:

ClinVar aggregate classification (germline): Conflicting classifications of pathogenicity. Review status: criteria provided, conflicting classifications (1 of 4 stars). 9 submissions from 5 submitters: Uncertain significance (4); Benign (2); Likely benign (3). Last evaluated 2024-05-03.

Conditions:
Cardiomyopathy (CMYO). Also called: Cardiomyopathies. Identifiers: Orphanet 167848, MedGen C0878544, MONDO:0004994, HP:0001638. Inheritance: Various modes of inheritance.
Early-onset myopathy with fatal cardiomyopathy (CMYO5). Also called: Salih Myopathy; CONGENITAL MYOPATHY 5 WITH CARDIOMYOPATHY. Identifiers: Orphanet 289377, MedGen C2673677, MONDO:0012714, OMIM 611705. Disease mechanism: loss of function.
Myopathy, myofibrillar, 9, with early respiratory failure (MFM9). Also called: Hereditary myopathy with early respiratory failure; Myopathy, distal, with early respiratory failure, autosomal dominant; EDSTROM MYOPATHY; MYOPATHY, PROXIMAL, WITH EARLY RESPIRATORY MUSCLE INVOLVEMENT. Identifiers: Orphanet 178464, Orphanet 34521, MedGen C1863599, MONDO:0011362, OMIM 603689.
Autosomal recessive limb-girdle muscular dystrophy type 2J (LGMDR10). Also called: Limb-girdle muscular dystrophy, type 2J; MUSCULAR DYSTROPHY, LIMB-GIRDLE, AUTOSOMAL RECESSIVE 10. Identifiers: Orphanet 140922, MedGen C1837342, MONDO:0012127, OMIM 608807.
Tibial muscular dystrophy (TMD). Also called: UDD MYOPATHY; Udd Distal Myopathy – Tibial Muscular Dystrophy; Tibial muscular dystrophy, tardive. Identifiers: Orphanet 609, MedGen C1838244, MONDO:0010870, OMIM 600334.
Dilated cardiomyopathy 1G (CMD1G). Identifiers: Orphanet 154, MedGen C1858763, MONDO:0011400, OMIM 604145.

Allele frequency attached by ClinVar (database versions not stated): gnomAD 0.00002 and 0.00003; TOPMed 0.00005; ESP Exome Variant Server 0.00008.
gnomAD v4.1: 72 of 1,613,404 alleles (0.0045%); highest among the groups gnomAD compares: East Asian, 0.0067%; no homozygotes.

Submissions (9):

Blueprint Genetics
Classification: Likely benign. Last evaluated: 2024-05-03. Review status: criteria provided, single submitter. Criteria: ACMG Guidelines, 2015. Collection method: clinical testing. Allele origin: germline.

CHEO Genetics Diagnostic Laboratory, Children's Hospital of Eastern Ontario
Classification: Likely benign for Cardiomyopathy. Last evaluated: 2023-05-16. Review status: criteria provided, single submitter. Criteria: ACMG Guidelines, 2015. Collection method: clinical testing. Allele origin: germline.

Revvity Omics, Revvity
Classification: Uncertain significance. Last evaluated: 2019-10-29. Review status: criteria provided, single submitter. Criteria: ACMG Guidelines, 2015. Collection method: clinical testing. Allele origin: germline.

GeneDx
Classification: Likely benign. Last evaluated: 2018-02-19. Review status: criteria provided, single submitter. Criteria: GeneDx Variant Classification (06012015). Collection method: clinical testing. Allele origin: germline. Affected: yes.
Comment: This variant is considered likely benign or benign based on one or more of the following criteria: it is a conservative change, it occurs at a poorly conserved position in the protein, it is predicted to be benign by multiple in silico algorithms, and/or has population frequency not consistent with disease.

Illumina Laboratory Services, Illumina
Classification: Uncertain significance for Dilated cardiomyopathy 1G. Last evaluated: 2018-01-12. Review status: criteria provided, single submitter. Criteria: ICSL Variant Classification Criteria 13 December 2019. Collection method: clinical testing. Allele origin: germline.

Illumina Laboratory Services, Illumina
Classification: Benign for Myopathy, myofibrillar, 9, with early respiratory failure. Last evaluated: 2018-01-12. Review status: criteria provided, single submitter. Criteria: ICSL Variant Classification Criteria 13 December 2019. Collection method: clinical testing. Allele origin: germline.
Comment: This variant was observed in the ICSL laboratory as part of a predisposition screen in an ostensibly healthy population. It had not been previously curated by ICSL or reported in the Human Gene Mutation Database (HGMD: prior to June 1st, 2018), and was therefore a candidate for classification through an automated scoring system. Utilizing variant allele frequency, disease prevalence and penetrance estimates, and inheritance mode, an automated score was calculated to assess if this variant is too frequent to cause the disease. Based on the score and internal cut-off values, a variant classified as benign is not then subjected to further curation. The score for this variant resulted in a classification of benign for this disease.

Illumina Laboratory Services, Illumina
Classification: Uncertain significance for Early-onset myopathy with fatal cardiomyopathy. Last evaluated: 2018-01-12. Review status: criteria provided, single submitter. Criteria: ICSL Variant Classification Criteria 13 December 2019. Collection method: clinical testing. Allele origin: germline.

Illumina Laboratory Services, Illumina
Classification: Benign for Tibial muscular dystrophy. Last evaluated: 2018-01-12. Review status: criteria provided, single submitter. Criteria: ICSL Variant Classification Criteria 13 December 2019. Collection method: clinical testing. Allele origin: germline.
Comment: the same text as in the submission from Illumina Laboratory Services, Illumina above.

Illumina Laboratory Services, Illumina
Classification: Uncertain significance for Autosomal recessive limb-girdle muscular dystrophy type 2J. Last evaluated: 2018-01-12. Review status: criteria provided, single submitter. Criteria: ICSL Variant Classification Criteria 13 December 2019. Collection method: clinical testing. Allele origin: germline.

NM_001267550.2(TTN):c.59534G>A (p.Arg19845His)

Genes: TTN (titin; minus strand), TTN-AS1 (TTN antisense RNA 1; plus strand), LOC126806424 (CDK7 strongly-dependent group 2 enhancer GRCh37_chr2:179456337-179457536; plus strand). Cytogenetic location: 2q31.2.
Variant type: single nucleotide variant.
Coding change: c.59534G>A on transcript NM_001267550.2 (MANE Select); coding-DNA position 59534, G replaced by A.
Protein change: p.Arg19845His; replaces arginine 19845 with histidine.
Molecular consequence: missense variant.
Genome position (GRCh38, 1-based): chr2:178,592,471, C>T on the plus strand (G>A on the coding strand, the complement: TTN is on the minus strand). VCF-style: chr2-178592471-C-T. GRCh37 (hg19) VCF-style: chr2-179457198-C-T.
Other names: c.54611G>A, p.Arg18204His (NM_001256850.1); c.32339G>A, p.Arg10780His (NM_003319.4); c.51830G>A, p.Arg17277His (NM_133378.4); c.32714G>A, p.Arg10905His (NM_133432.3); c.32915G>A, p.Arg10972His (NM_133437.4); short protein forms R18204H, R19845H, R17277H, R10780H, R10905H, R10972H.
Identifiers: ClinVar variation 515667 (VCV000515667.8), dbSNP rs201457934, ClinGen allele CA1992652.